The following is an entry in ClinVar:

NM_015650.4(IFT54):c.1533G>A (p.Val511=)

Gene: IFT54 (intraflagellar transport 54; plus strand). Cytogenetic location: 2q37.3.
Variant type: single nucleotide variant.
Coding change: c.1533G>A on transcript NM_015650.4 (MANE Select); coding-DNA position 1533, G replaced by A.
Protein change: p.Val511=; no amino-acid change (valine 511 retained).
Molecular consequence: synonymous variant.
Genome position (GRCh38, 1-based): chr2:238,352,908, G>A. VCF-style: chr2-238352908-G-A. GRCh37 (hg19) VCF-style: chr2-239261549-G-A.
Other names: c.1335G>A, p.Val445= (NM_001139490.1).
Identifiers: ClinVar variation 1157367 (VCV001157367.33), dbSNP rs370545979, ClinGen allele CA2198473.

ClinVar aggregate classification (germline): Likely benign. Review status: criteria provided, multiple submitters, no conflicts (2 of 4 stars). 3 submissions from 3 submitters: Likely benign (3). Last evaluated 2025-12-15.

Allele frequency attached by ClinVar (database versions not stated): gnomAD exomes 0.00006 and 0.00007; TOPMed 0.00006; gnomAD 0.00007 and 0.00008; ESP Exome Variant Server 0.00008; ExAC 0.00012.
gnomAD v4.1: 103 of 1,613,810 alleles (0.0064%); highest among the groups gnomAD compares: Middle Eastern, 0.099%; 1 homozygote.

Submissions (3):

Labcorp Genetics (formerly Invitae), Labcorp
Classification: Likely benign. Last evaluated: 2025-12-15. Review status: criteria provided, single submitter. Criteria: Invitae Variant Classification Sherloc (09022015). Collection method: clinical testing. Allele origin: germline.

Blueprint Genetics
Classification: Likely benign. Last evaluated: 2024-11-13. Review status: criteria provided, single submitter. Criteria: ACMG Guidelines, 2015. Collection method: clinical testing. Allele origin: germline.

CeGaT Center for Human Genetics Tuebingen
Classification: Likely benign. Last evaluated: 2023-04-01. Review status: criteria provided, single submitter. Criteria: CeGaT Center For Human Genetics Tuebingen Variant Classification Criteria Version 2. Collection method: clinical testing. Allele origin: germline. Affected: yes. Observed: 1 variant allele.
Comment: IFT54: BP4, BP7